The following is an entry in ClinVar:

NM_153460.4(IL17RC):c.1087G>A (p.Gly363Ser)

Gene: IL17RC (interleukin 17 receptor C; plus strand). Cytogenetic location: 3p25.3.
Variant type: single nucleotide variant.
Coding change: c.1087G>A on transcript NM_153460.4 (MANE Select); coding-DNA position 1087, G replaced by A.
Protein change: p.Gly363Ser; replaces glycine 363 with serine.
Molecular consequence: missense variant. On other transcripts: non-coding transcript variant (1), intron variant (2).
Genome position (GRCh38, 1-based): chr3:9,928,607, G>A. VCF-style: chr3-9928607-G-A. GRCh37 (hg19) VCF-style: chr3-9970291-G-A.
Other names: c.1087G>A, p.Gly363Ser (NM_001203263.2); c.1048G>A, p.Gly350Ser (NM_001367278.1); c.967G>A, p.Gly323Ser (NM_001367279.1); c.1042G>A, p.Gly348Ser (NM_001367280.1, NM_032732.6); c.1300G>A, p.Gly434Ser (NM_153461.4); c.1059+121G>A (NM_001203264.2); c.1014+121G>A (NM_001203265.2); short protein forms G434S, G323S, G350S, G363S, G348S.
Identifiers: ClinVar variation 1395043 (VCV001395043.8), dbSNP rs952357359, ClinGen allele CA70018987.

ClinVar aggregate classification (germline): Uncertain significance (1 of 4 stars; one submission).

Conditions:
Candidiasis, familial, 9 (CANDF9). Identifiers: Orphanet 1334, MedGen C4225324, MONDO:0014642, OMIM 616445.

Allele frequency attached by ClinVar (database versions not stated): gnomAD exomes below 0.00001.
gnomAD v4.1: 5 of 1,613,786 alleles (0.00031%); highest among the groups gnomAD compares: Non-Finnish European, 0.000085%; no homozygotes.

Submission:

Labcorp Genetics (formerly Invitae), Labcorp
Classification: Uncertain significance for Candidiasis, familial, 9. Last evaluated: 2025-09-02. Review status: criteria provided, single submitter. Criteria: Invitae Variant Classification Sherloc (09022015). Collection method: clinical testing. Allele origin: germline.
Comment: This sequence change replaces glycine, which is neutral and non-polar, with serine, which is neutral and polar, at codon 434 of the IL17RC protein (p.Gly434Ser). This variant is present in population databases (no rsID available, gnomAD 0.01%). This variant has not been reported in the literature in individuals affected with IL17RC-related conditions. ClinVar contains an entry for this variant (Variation ID: 1395043). An algorithm developed to predict the effect of missense changes on protein structure and function (PolyPhen-2) suggests that this variant is likely to be tolerated. In summary, the available evidence is currently insufficient to determine the role of this variant in disease. Therefore, it has been classified as a Variant of Uncertain Significance.